The following is an entry in ClinVar:

ClinVar aggregate classification (germline): Likely benign (1 of 4 stars; one submission).

Allele frequency attached by ClinVar (database versions not stated): 1000 Genomes Project 0.00100; 1000 Genomes Project 30x 0.00125; TOPMed 0.00250; ESP Exome Variant Server 0.00272; gnomAD 0.00325; ExAC 0.00379; gnomAD exomes 0.00397.
gnomAD v4.1: 6,297 of 1,613,956 alleles (0.39%); highest among the groups gnomAD compares: Non-Finnish European, 0.4%; 19 homozygotes.

Submission:

CeGaT Center for Human Genetics Tuebingen
Classification: Likely benign. Last evaluated: 2023-11-01. Review status: criteria provided, single submitter. Criteria: CeGaT Center For Human Genetics Tuebingen Variant Classification Criteria Version 2. Collection method: clinical testing. Allele origin: germline. Affected: yes. Observed: 2 variant alleles.
Comment: PRUNE2: BP4

NM_015225.3(PRUNE2):c.3337G>A (p.Asp1113Asn)

Gene: PRUNE2 (prune homolog 2 with BCH domain; minus strand). Cytogenetic location: 9q21.2.
Variant type: single nucleotide variant.
Coding change: c.3337G>A on transcript NM_015225.3 (MANE Select); coding-DNA position 3337, G replaced by A.
Protein change: p.Asp1113Asn; replaces aspartic acid 1113 with asparagine.
Molecular consequence: missense variant. On other transcripts: non-coding transcript variant (1).
Genome position (GRCh38, 1-based): chr9:76,708,937, C>T on the plus strand (G>A on the coding strand, the complement: PRUNE2 is on the minus strand). VCF-style: chr9-76708937-C-T. GRCh37 (hg19) VCF-style: chr9-79323853-C-T.
Other names: c.3337G>A, p.Asp1113Asn (NM_001308047.2, NM_001308048.2); short protein forms D1113N.
Identifiers: ClinVar variation 2659263 (VCV002659263.24), dbSNP rs200875180, ClinGen allele CA5090031.